The following is an entry in ClinVar:

NM_000785.4(CYP27B1):c.1137-6A>G

Gene: CYP27B1 (cytochrome P450 family 27 subfamily B member 1; minus strand). Cytogenetic location: 12q14.1.
Variant type: single nucleotide variant.
Coding change: c.1137-6A>G on transcript NM_000785.4 (MANE Select); 6 bases into the intron before coding-DNA position 1137, A replaced by G.
Molecular consequence: intron variant.
Genome position (GRCh38, 1-based): chr12:57,764,182, T>C on the plus strand (A>G on the coding strand, the complement: CYP27B1 is on the minus strand). VCF-style: chr12-57764182-T-C. GRCh37 (hg19) VCF-style: chr12-58157965-T-C.
Identifiers: ClinVar variation 2035189 (VCV002035189.4), dbSNP rs2540915649, ClinGen allele CA2580086676.

ClinVar aggregate classification (germline): Uncertain significance (1 of 4 stars; one submission).

Submission:

Labcorp Genetics (formerly Invitae), Labcorp
Classification: Uncertain significance. Last evaluated: 2022-11-04. Review status: criteria provided, single submitter. Criteria: Invitae Variant Classification Sherloc (09022015). Collection method: clinical testing. Allele origin: germline.
Comment: In summary, the available evidence is currently insufficient to determine the role of this variant in disease. Therefore, it has been classified as a Variant of Uncertain Significance. Algorithms developed to predict the effect of sequence changes on RNA splicing suggest that this variant may disrupt the consensus splice site. This variant has not been reported in the literature in individuals affected with CYP27B1-related conditions. This variant is not present in population databases (gnomAD no frequency). This sequence change falls in intron 6 of the CYP27B1 gene. It does not directly change the encoded amino acid sequence of the CYP27B1 protein.